The following is an entry in ClinVar:

NC_000009.11:g.(?_6587181)_(6602209_?)del

Gene: GLDC (glycine decarboxylase; minus strand). Cytogenetic location: 9p24.1.
Variant type: Deletion.
Identifiers: ClinVar variation 2422525 (VCV002422525.7).

ClinVar aggregate classification (germline): Pathogenic (1 of 4 stars; one submission).

Conditions:
Glycine encephalopathy. Also called: Nonketotic hyperglycinemia; Non-ketotic hyperglycinemia. Identifiers: Orphanet 407, MedGen C0751748, MONDO:0011612, HP:0008288.

Submission:

Labcorp Genetics (formerly Invitae), Labcorp
Classification: Pathogenic for Glycine encephalopathy. Last evaluated: 2022-12-14. Review status: criteria provided, single submitter. Criteria: Invitae Variant Classification Sherloc (09022015). Collection method: clinical testing. Allele origin: germline.
Comment: For these reasons, this variant has been classified as Pathogenic. This variant disrupts a region of the GLDC protein in which other variant(s) (p.Pro581Arg) have been determined to be pathogenic (PMID: 22206881, 28244183). This suggests that this is a clinically significant region of the protein, and that variants that disrupt it are likely to be disease-causing. This variant has not been reported in the literature in individuals affected with GLDC-related conditions. This variant results in the deletion of exons 8-14 and part of exon 15 (c.1059-4_1810delinsCTTGCTCTTCA) of the GLDC gene. It is expected to disrupt RNA splicing. Variants that disrupt the donor or acceptor splice site typically lead to a loss of protein function (PMID: 16199547), and loss-of-function variants in GLDC are known to be pathogenic (PMID: 16601880).

Literature cited by the submitters: PubMed 22206881; PubMed 28244183; PubMed 16199547; PubMed 16601880.